The following is an entry in ClinVar:

NM_017654.4(SAMD9):c.2856G>T (p.Gly952=)

Gene: SAMD9 (sterile alpha motif domain containing 9; minus strand). Cytogenetic location: 7q21.2.
Variant type: single nucleotide variant.
Coding change: c.2856G>T on transcript NM_017654.4 (MANE Select); coding-DNA position 2856, G replaced by T.
Protein change: p.Gly952=; no amino-acid change (glycine 952 retained).
Molecular consequence: synonymous variant.
Genome position (GRCh38, 1-based): chr7:93,103,242, C>A on the plus strand (G>T on the coding strand, the complement: SAMD9 is on the minus strand). VCF-style: chr7-93103242-C-A. GRCh37 (hg19) VCF-style: chr7-92732555-C-A.
Other names: c.2856G>T, p.Gly952= (NM_001193307.2).
Identifiers: ClinVar variation 3033578 (VCV003033578.3), dbSNP rs2535357068, ClinGen allele CA456625600.

ClinVar aggregate classification (germline): Likely benign. Review status: criteria provided, single submitter (1 of 4 stars). 2 submissions from 2 submitters: Likely benign (1). 1 of the submissions does not count toward it. Last evaluated 2025-08-09.

Conditions:
Inborn genetic diseases. Identifiers: MedGen C0950123, MeSH D030342.
SAMD9-related disorder. Also called: SAMD9-related condition.

Submissions (2):

Ambry Genetics
Classification: Likely benign for Inborn genetic diseases. Last evaluated: 2025-08-09. Review status: criteria provided, single submitter. Criteria: Ambry Variant Classification Scheme 2023. Collection method: clinical testing. Allele origin: germline.

PreventionGenetics, part of Exact Sciences
Classification: Likely benign for SAMD9-related condition. Last evaluated: 2024-01-25. Review status: no assertion criteria provided. Collection method: clinical testing. Allele origin: germline. Not counted in ClinVar's aggregate classification.
Comment: This variant is classified as likely benign based on ACMG/AMP sequence variant interpretation guidelines (Richards et al. 2015 PMID: 25741868, with internal and published modifications).